The following is an entry in ClinVar:

NM_022464.5(SIL1):c.125A>C (p.Asn42Thr)

Gene: SIL1 (SIL1 nucleotide exchange factor; minus strand). Cytogenetic location: 5q31.2.
Variant type: single nucleotide variant.
Coding change: c.125A>C on transcript NM_022464.5 (MANE Select); coding-DNA position 125, A replaced by C.
Protein change: p.Asn42Thr; replaces asparagine 42 with threonine.
Molecular consequence: missense variant.
Genome position (GRCh38, 1-based): chr5:139,121,154, T>G on the plus strand (A>C on the coding strand, the complement: SIL1 is on the minus strand). VCF-style: chr5-139121154-T-G. GRCh37 (hg19) VCF-style: chr5-138456843-T-G.
Other names: c.125A>C, p.Asn42Thr (NM_001037633.2); short protein forms N42T.
Identifiers: ClinVar variation 2042511 (VCV002042511.4), dbSNP rs146539320, ClinGen allele CA3432677.
Genomic context (GRCh38, chr5:139,121,154, plus strand): 5'-AGCTCCTCCTCGGCTTTGGTTTCTTTTCTCTCTGTTTCTTTGGTGCTGCTCTTCTCTGGG[T>G]TGGTCAGGGCAAACTCCTTCTGAGAAAAGAAAACACAGGGCATGACCCACTGCAACTAGG-3'
Protein context (NP_071909.1, residues 32-52): HQNLKEFALT[Asn42Thr]PEKSSTKETE

ClinVar aggregate classification (germline): Uncertain significance. Review status: criteria provided, multiple submitters, no conflicts (2 of 4 stars). 3 submissions from 3 submitters: Uncertain significance (2). 1 of the submissions does not count toward it. Last evaluated 2025-02-07.

Conditions:
Inborn genetic diseases. Identifiers: MedGen C0950123, MeSH D030342.
Marinesco-Sjögren syndrome (MSS). Also called: Marinesco-Sjogren Syndrome; Marinesco-SjÃ¶gren syndrome. Identifiers: Orphanet 559, MedGen C0024814, MONDO:0009567, OMIM 248800.
SIL1-related disorder. Also called: SIL1-related condition.

Allele frequency attached by ClinVar (database versions not stated): gnomAD 0.00003; gnomAD exomes 0.00003; ExAC 0.00004; TOPMed 0.00004; ESP Exome Variant Server 0.00015.
gnomAD v4.1: 49 of 1,614,036 alleles (0.003%); highest among the groups gnomAD compares: Non-Finnish European, 0.0039%; no homozygotes.

Submissions (3):

Ambry Genetics
Classification: Uncertain significance for Inborn genetic diseases. Last evaluated: 2025-02-07. Review status: criteria provided, single submitter. Criteria: Ambry Variant Classification Scheme 2023. Collection method: clinical testing. Allele origin: germline.

Labcorp Genetics (formerly Invitae), Labcorp
Classification: Uncertain significance for Marinesco-Sjögren syndrome. Last evaluated: 2022-06-22. Review status: criteria provided, single submitter. Criteria: Invitae Variant Classification Sherloc (09022015). Collection method: clinical testing. Allele origin: germline.
Comment: This sequence change replaces asparagine, which is neutral and polar, with threonine, which is neutral and polar, at codon 42 of the SIL1 protein (p.Asn42Thr). This variant is present in population databases (rs146539320, gnomAD 0.009%). This variant has not been reported in the literature in individuals affected with SIL1-related conditions. Algorithms developed to predict the effect of missense changes on protein structure and function (SIFT, PolyPhen-2, Align-GVGD) all suggest that this variant is likely to be tolerated. In summary, the available evidence is currently insufficient to determine the role of this variant in disease. Therefore, it has been classified as a Variant of Uncertain Significance.

PreventionGenetics, part of Exact Sciences
Classification: Uncertain significance for SIL1-related condition. Last evaluated: 2024-03-25. Review status: no assertion criteria provided. Collection method: clinical testing. Allele origin: germline. Not counted in ClinVar's aggregate classification.
Comment: The SIL1 c.125A>C variant is predicted to result in the amino acid substitution p.Asn42Thr. To our knowledge, this variant has not been reported in the literature. This variant is reported in 0.010% of alleles in individuals of European (Non-Finnish) descent in gnomAD. At this time, the clinical significance of this variant is uncertain due to the absence of conclusive functional and genetic evidence.